The following is an entry in ClinVar:

NM_032442.3(NEURL4):c.3679C>T (p.Leu1227Phe)

Gene: NEURL4 (neuralized E3 ubiquitin protein ligase 4; minus strand). Cytogenetic location: 17p13.1.
Variant type: single nucleotide variant.
Coding change: c.3679C>T on transcript NM_032442.3 (MANE Select); coding-DNA position 3679, C replaced by T.
Protein change: p.Leu1227Phe; replaces leucine 1227 with phenylalanine.
Molecular consequence: missense variant.
Genome position (GRCh38, 1-based): chr17:7,319,055, G>A on the plus strand (C>T on the coding strand, the complement: NEURL4 is on the minus strand). VCF-style: chr17-7319055-G-A. GRCh37 (hg19) VCF-style: chr17-7222374-G-A.
Other names: c.3673C>T, p.Leu1225Phe (NM_001005408.2); short protein forms L1225F, L1227F.
Identifiers: ClinVar variation 2647327 (VCV002647327.23), dbSNP rs200109408, ClinGen allele CA8342536.

ClinVar aggregate classification (germline): Likely benign (1 of 4 stars; one submission).

Allele frequency attached by ClinVar (database versions not stated): 1000 Genomes Project 0.00160; 1000 Genomes Project 30x 0.00172; ESP Exome Variant Server 0.00188; TOPMed 0.00202; ExAC 0.00258.
gnomAD v4.1: 5,394 of 1,611,134 alleles (0.33%); highest among the groups gnomAD compares: South Asian, 0.41%; 15 homozygotes.

Submission:

CeGaT Center for Human Genetics Tuebingen
Classification: Likely benign. Last evaluated: 2023-10-01. Review status: criteria provided, single submitter. Criteria: CeGaT Center For Human Genetics Tuebingen Variant Classification Criteria Version 2. Collection method: clinical testing. Allele origin: germline. Affected: yes. Observed: 2 variant alleles.
Comment: NEURL4: BS2